The following is an entry in ClinVar:

ClinVar aggregate classification (germline): Likely benign. Review status: criteria provided, single submitter (1 of 4 stars). 2 submissions from 2 submitters: Likely benign (1). 1 of the submissions does not count toward it. Last evaluated 2026-01-21.

Conditions:
TAOK2-related disorder. Also called: TAOK2-related condition.

Submissions (2):

Labcorp Genetics (formerly Invitae), Labcorp
Classification: Likely benign. Last evaluated: 2026-01-21. Review status: criteria provided, single submitter. Criteria: Invitae Variant Classification Sherloc (09022015). Collection method: clinical testing. Allele origin: germline.

PreventionGenetics, part of Exact Sciences
Classification: Likely benign for TAOK2-related condition. Last evaluated: 2022-07-27. Review status: no assertion criteria provided. Collection method: clinical testing. Allele origin: germline. Not counted in ClinVar's aggregate classification.
Comment: This variant is classified as likely benign based on ACMG/AMP sequence variant interpretation guidelines (Richards et al. 2015 PMID: 25741868, with internal and published modifications).

NM_016151.4(TAOK2):c.1140GGA[9] (p.Glu390_Glu392dup)

Gene: TAOK2 (TAO kinase 2; plus strand). Cytogenetic location: 16p11.2.
Variant type: Microsatellite.
Coding change: c.1140GGA[9] on transcript NM_016151.4 (MANE Select); nine copies in a row of the 3-base unit GGA starting at c.1140; the reference has six copies in a row; three copies, 9 bases duplicated.
Protein change: p.Glu390_Glu392dup.
Molecular consequence: inframe insertion.
Genome position (GRCh38, 1-based): chr16:29,983,221-29,983,229, GGAGGAGGA duplicated; duplicating any 9 consecutive bases within chr16:29,983,210-29,983,229 gives the same sequence; the position shown is the placement nearest the transcript's 3' end. VCF-style (leftmost placement, unchanged base first): chr16-29983209-A-AGAGGAGGAG. GRCh37 (hg19) VCF-style: chr16-29994530-A-AGAGGAGGAG.
Other names: c.1140GGA[9], p.Glu390_Glu392dup (NM_001252043.2, NM_004783.4); c.1149_1157dup9 (NM_016151.3).
Identifiers: ClinVar variation 1575057 (VCV001575057.10), dbSNP rs368747234, ClinGen allele CA7998051.